The following is an entry in ClinVar:

ClinVar aggregate classification (germline): Likely benign. Review status: criteria provided, multiple submitters, no conflicts (2 of 4 stars). 3 submissions from 3 submitters: Likely benign (2). 1 of the submissions does not count toward it. Last evaluated 2024-09-20.

Conditions:
COL25A1-related disorder. Also called: COL25A1-related condition.

Allele frequency attached by ClinVar (database versions not stated): ESP Exome Variant Server 0.00008; gnomAD 0.00009 and 0.00015; TOPMed 0.00011; gnomAD exomes 0.00024 and 0.00034; 1000 Genomes Project 30x 0.00031; ExAC 0.00035; 1000 Genomes Project 0.00040.
gnomAD v4.1: 371 of 1,608,934 alleles (0.023%); highest among the groups gnomAD compares: South Asian, 0.21%; 2 homozygotes.

Submissions (3):

Blueprint Genetics
Classification: Likely benign. Last evaluated: 2024-09-20. Review status: criteria provided, single submitter. Criteria: ACMG Guidelines, 2015. Collection method: clinical testing. Allele origin: germline.

Labcorp Genetics (formerly Invitae), Labcorp
Classification: Likely benign. Last evaluated: 2019-12-31. Review status: criteria provided, single submitter. Criteria: Invitae Variant Classification Sherloc (09022015). Collection method: clinical testing. Allele origin: germline.

PreventionGenetics, part of Exact Sciences
Classification: Likely benign for COL25A1-related condition. Last evaluated: 2019-03-20. Review status: no assertion criteria provided. Collection method: clinical testing. Allele origin: germline. Not counted in ClinVar's aggregate classification.
Comment: This variant is classified as likely benign based on ACMG/AMP sequence variant interpretation guidelines (Richards et al. 2015 PMID: 25741868, with internal and published modifications).

NM_198721.4(COL25A1):c.390G>A (p.Lys130=)

Gene: COL25A1 (collagen type XXV alpha 1 chain; minus strand). Cytogenetic location: 4q25.
Variant type: single nucleotide variant.
Coding change: c.390G>A on transcript NM_198721.4 (MANE Select); coding-DNA position 390, G replaced by A.
Protein change: p.Lys130=; no amino-acid change (lysine 130 retained).
Molecular consequence: synonymous variant. On other transcripts: non-coding transcript variant (1).
Genome position (GRCh38, 1-based): chr4:109,050,157, C>T on the plus strand (G>A on the coding strand, the complement: COL25A1 is on the minus strand). VCF-style: chr4-109050157-C-T. GRCh37 (hg19) VCF-style: chr4-109971313-C-T.
Other names: c.390G>A, p.Lys130= (NM_001256074.3, NM_032518.4).
Identifiers: ClinVar variation 748634 (VCV000748634.7), dbSNP rs202121124, ClinGen allele CA3039902.